The following is an entry in ClinVar:

ClinVar aggregate classification (germline): Uncertain significance (1 of 4 stars; one submission).

gnomAD v4.1: 3 of 1,614,076 alleles (0.00019%); highest among the groups gnomAD compares: Non-Finnish European, 0.00025%; no homozygotes.

Submission:

GeneDx
Classification: Uncertain significance. Last evaluated: 2026-03-28. Review status: criteria provided, single submitter. Criteria: GeneDx Variant Classification Process June 2021. Collection method: clinical testing. Allele origin: germline.
Comment: Not observed at significant frequency in large population cohorts (gnomAD); In silico analysis suggests that this missense variant does not alter protein structure/function; Has not been previously published as pathogenic or benign to our knowledge

NM_014712.3(SETD1A):c.2947G>A (p.Glu983Lys)

Gene: SETD1A (SET domain containing 1A, histone lysine methyltransferase; plus strand). Cytogenetic location: 16p11.2.
Variant type: single nucleotide variant.
Coding change: c.2947G>A on transcript NM_014712.3 (MANE Select); coding-DNA position 2947, G replaced by A.
Protein change: p.Glu983Lys; replaces glutamic acid 983 with lysine.
Molecular consequence: missense variant.
Genome position (GRCh38, 1-based): chr16:30,969,620, G>A. VCF-style: chr16-30969620-G-A. GRCh37 (hg19) VCF-style: chr16-30980941-G-A.
Other names: short protein forms E983K.
Identifiers: ClinVar variation 5017863 (VCV005017863.1).